The following is an entry in ClinVar:

ClinVar aggregate classification (germline): Uncertain significance (1 of 4 stars; one submission).

Submission:

Labcorp Genetics (formerly Invitae), Labcorp
Classification: Uncertain significance. Last evaluated: 2022-02-09. Review status: criteria provided, single submitter. Criteria: Invitae Variant Classification Sherloc (09022015). Collection method: clinical testing. Allele origin: germline.
Comment: In summary, the available evidence is currently insufficient to determine the role of this variant in disease. Therefore, it has been classified as a Variant of Uncertain Significance. Algorithms developed to predict the effect of missense changes on protein structure and function are either unavailable or do not agree on the potential impact of this missense change (SIFT: "Deleterious"; PolyPhen-2: "Not Available"; Align-GVGD: "Class C0"). This variant has not been reported in the literature in individuals affected with PCLO-related conditions. This variant is not present in population databases (gnomAD no frequency). This sequence change replaces leucine, which is neutral and non-polar, with isoleucine, which is neutral and non-polar, at codon 4095 of the PCLO protein (p.Leu4095Ile).

NM_033026.6(PCLO):c.12283C>A (p.Leu4095Ile)

Gene: PCLO (piccolo presynaptic cytomatrix protein; minus strand). Cytogenetic location: 7q21.11.
Variant type: single nucleotide variant.
Coding change: c.12283C>A on transcript NM_033026.6 (MANE Select); coding-DNA position 12283, C replaced by A.
Protein change: p.Leu4095Ile; replaces leucine 4095 with isoleucine.
Molecular consequence: missense variant.
Genome position (GRCh38, 1-based): chr7:82,915,703, G>T on the plus strand (C>A on the coding strand, the complement: PCLO is on the minus strand). VCF-style: chr7-82915703-G-T. GRCh37 (hg19) VCF-style: chr7-82545019-G-T.
Other names: c.12283C>A, p.Leu4095Ile (NM_014510.3); short protein forms L4095I.
Identifiers: ClinVar variation 1471783 (VCV001471783.6), dbSNP rs76835434, ClinGen allele CA367889187.
Genomic context (GRCh38, chr7:82,915,703, plus strand): 5'-TTGGGTCTTCCTCCGCCTTCACATAACTATGCAATCTAGAGGAAGACTGTAAAGGTGCTA[G>T]GAAATCTGTCACTTCTTGAGACCGGCGTGTCTCAGTGGTTCGAAGGAGACGGTCTGTTTT-3'
Protein context (NP_149015.2, residues 4085-4105): TRRSQEVTDF[Leu4095Ile]APLQSSSRLH